The following is an entry in ClinVar:

NM_002764.4(PRPS1):c.224A>C (p.Asn75Thr)

Gene: PRPS1 (phosphoribosyl pyrophosphate synthetase 1; plus strand). Cytogenetic location: Xq22.3.
Variant type: single nucleotide variant.
Coding change: c.224A>C on transcript NM_002764.4 (MANE Select); coding-DNA position 224, A replaced by C.
Protein change: p.Asn75Thr; replaces asparagine 75 with threonine.
Molecular consequence: missense variant. On other transcripts: intron variant (1).
Genome position (GRCh38, 1-based): chrX:107,639,396, A>C. VCF-style: chrX-107639396-A-C. GRCh37 (hg19) VCF-style: chrX-106882626-A-C.
Other names: c.-82-5781A>C (NM_001204402.2); short protein forms N75T.
Identifiers: ClinVar variation 1311602 (VCV001311602.3), dbSNP rs2147681459, ClinGen allele CA413805112.
Genomic context (GRCh38, chrX:107,639,396, plus strand): 5'-TTGTTCAGAGTGGTTGTGGCGAAATCAATGACAATTTAATGGAGCTTTTGATCATGATTA[A>C]TGCCTGCAAGATTGCTTCAGCCAGCCGGGTTACTGCAGTCATCCCATGCTTCCCTTATGC-3'
Protein context (NP_002755.1, residues 65-85): DNLMELLIMI[Asn75Thr]ACKIASASRV

ClinVar aggregate classification (germline): Uncertain significance (1 of 4 stars; one submission).

Submission:

GeneDx
Classification: Uncertain significance. Last evaluated: 2024-02-02. Review status: criteria provided, single submitter. Criteria: GeneDx Variant Classification Process June 2021. Collection method: clinical testing. Allele origin: germline. Affected: yes.
Comment: Not observed at significant frequency in large population cohorts (gnomAD); In silico analysis supports that this missense variant has a deleterious effect on protein structure/function; Has not been previously published as pathogenic or benign to our knowledge